The following is an entry in ClinVar:

ClinVar aggregate classification (germline): Uncertain significance. Review status: criteria provided, multiple submitters, no conflicts (2 of 4 stars). 2 submissions from 2 submitters: Uncertain significance (2). Last evaluated 2025-05-18.

Conditions:
Inborn genetic diseases. Identifiers: MedGen C0950123, MeSH D030342.

gnomAD v4.1: 29 of 1,613,720 alleles (0.0018%); highest among the groups gnomAD compares: East Asian, 0.049%; no homozygotes.

Submissions (2):

Ambry Genetics
Classification: Uncertain significance for Inborn genetic diseases. Last evaluated: 2025-05-18. Review status: criteria provided, single submitter. Criteria: Ambry Variant Classification Scheme 2023. Collection method: clinical testing. Allele origin: germline.

Labcorp Genetics (formerly Invitae), Labcorp
Classification: Uncertain significance. Last evaluated: 2025-01-10. Review status: criteria provided, single submitter. Criteria: Invitae Variant Classification Sherloc (09022015). Collection method: clinical testing. Allele origin: germline.
Comment: This sequence change replaces valine, which is neutral and non-polar, with methionine, which is neutral and non-polar, at codon 1480 of the ANK1 protein (p.Val1480Met). This variant is present in population databases (rs747508832, gnomAD 0.01%). This variant has not been reported in the literature in individuals affected with ANK1-related conditions. Invitae Evidence Modeling of protein sequence and biophysical properties (such as structural, functional, and spatial information, amino acid conservation, physicochemical variation, residue mobility, and thermodynamic stability) indicates that this missense variant is not expected to disrupt ANK1 protein function with a negative predictive value of 80%. In summary, the available evidence is currently insufficient to determine the role of this variant in disease. Therefore, it has been classified as a Variant of Uncertain Significance.

NM_000037.4(ANK1):c.4438G>A (p.Val1480Met)

Genes: ANK1 (ankyrin 1; minus strand), LOC126860368 (BRD4-independent group 4 enhancer GRCh37_chr8:41541049-41542248; plus strand). Cytogenetic location: 8p11.21.
Variant type: single nucleotide variant.
Coding change: c.4438G>A on transcript NM_000037.4 (MANE Select); coding-DNA position 4438, G replaced by A.
Protein change: p.Val1480Met; replaces valine 1480 with methionine.
Molecular consequence: missense variant.
Genome position (GRCh38, 1-based): chr8:41,684,643, C>T on the plus strand (G>A on the coding strand, the complement: ANK1 is on the minus strand). VCF-style: chr8-41684643-C-T. GRCh37 (hg19) VCF-style: chr8-41542161-C-T.
Other names: c.4438G>A (NM_000037.3); c.4561G>A, p.Val1521Met (NM_001142446.2); c.4438G>A, p.Val1480Met (NM_020475.3, NM_020476.3, NM_020477.3); short protein forms V1480M, V1521M.
Identifiers: ClinVar variation 3667179 (VCV003667179.3).